The following is an entry in ClinVar:

NM_177438.3(DICER1):c.823G>A (p.Glu275Lys)

Gene: DICER1 (dicer 1, ribonuclease III; minus strand). Cytogenetic location: 14q32.13.
Variant type: single nucleotide variant.
Coding change: c.823G>A on transcript NM_177438.3 (MANE Select); coding-DNA position 823, G replaced by A.
Protein change: p.Glu275Lys; replaces glutamic acid 275 with lysine.
Molecular consequence: missense variant. On other transcripts: 5 prime UTR variant (1), non-coding transcript variant (6).
Genome position (GRCh38, 1-based): chr14:95,126,660, C>T on the plus strand (G>A on the coding strand, the complement: DICER1 is on the minus strand). VCF-style: chr14-95126660-C-T. GRCh37 (hg19) VCF-style: chr14-95592997-C-T.
Other names: c.823G>A, p.Glu275Lys (NM_001195573.1, NM_001271282.3, NM_001291628.2 and 15 more transcripts); c.541G>A, p.Glu181Lys (NM_001395686.1); c.418G>A, p.Glu140Lys (NM_001395687.1, NM_001395688.1, NM_001395689.1 and 3 more transcripts); c.256G>A, p.Glu86Lys (NM_001395691.1); c.-746G>A (NM_001395697.1); short protein forms E140K, E275K, E86K, E181K.
Identifiers: ClinVar variation 2039766 (VCV002039766.4), dbSNP rs1555375333, ClinGen allele CA390887634.

ClinVar aggregate classification (germline): Uncertain significance (1 of 4 stars; one submission).

Conditions:
DICER1-related tumor predisposition. Also called: DICER1-related pleuropulmonary blastoma cancer predisposition syndrome; DICER1 syndrome. Identifiers: Orphanet 284343, MedGen C3839822, MONDO:0100216.

Submission:

Labcorp Genetics (formerly Invitae), Labcorp
Classification: Uncertain significance for DICER1-related tumor predisposition. Last evaluated: 2022-03-04. Review status: criteria provided, single submitter. Criteria: Invitae Variant Classification Sherloc (09022015). Collection method: clinical testing. Allele origin: germline.
Comment: Algorithms developed to predict the effect of missense changes on protein structure and function are either unavailable or do not agree on the potential impact of this missense change (SIFT: "Deleterious"; PolyPhen-2: "Benign"; Align-GVGD: "Class C15"). In summary, the available evidence is currently insufficient to determine the role of this variant in disease. Therefore, it has been classified as a Variant of Uncertain Significance. This variant has not been reported in the literature in individuals affected with DICER1-related conditions. This sequence change replaces glutamic acid, which is acidic and polar, with lysine, which is basic and polar, at codon 275 of the DICER1 protein (p.Glu275Lys). This variant is not present in population databases (gnomAD no frequency).